The following is an entry in ClinVar:

NM_004656.4(BAP1):c.1138G>T (p.Gly380Cys)

Gene: BAP1 (BRCA1 associated deubiquitinase 1; minus strand). Cytogenetic location: 3p21.1.
Variant type: single nucleotide variant.
Coding change: c.1138G>T on transcript NM_004656.4 (MANE Select); coding-DNA position 1138, G replaced by T.
Protein change: p.Gly380Cys; replaces glycine 380 with cysteine.
Molecular consequence: missense variant.
Genome position (GRCh38, 1-based): chr3:52,404,565, C>A on the plus strand (G>T on the coding strand, the complement: BAP1 is on the minus strand). VCF-style: chr3-52404565-C-A. GRCh37 (hg19) VCF-style: chr3-52438581-C-A.
Other names: c.1138G>T (NM_004656.2); short protein forms G380C.
Identifiers: ClinVar variation 1016804 (VCV001016804.11), dbSNP rs1221168827, ClinGen allele CA353103373.

ClinVar aggregate classification (germline): Conflicting classifications of pathogenicity. Review status: criteria provided, conflicting classifications (1 of 4 stars). 3 submissions from 3 submitters: Uncertain significance (2); Likely benign (1). Last evaluated 2025-08-07.

Conditions:
Hereditary cancer-predisposing syndrome. Also called: Tumor predisposition; Neoplastic Syndromes, Hereditary; Hereditary neoplastic syndrome; Hereditary Cancer Syndrome. Identifiers: Orphanet 140162, MedGen C0027672, MeSH D009386, MONDO:0015356.
BAP1-related tumor predisposition syndrome (TPDS1). Also called: TUMOR PREDISPOSITION SYNDROME 1; COMMON Syndrome; Tumor susceptibility linked to germline BAP1 mutations; BAP1 tumor predisposition syndrome. Identifiers: Orphanet 289539, MedGen C3280492, MONDO:0013692, OMIM 614327.

Allele frequency attached by ClinVar (database versions not stated): gnomAD exomes below 0.00001.
gnomAD v4.1: 1 of 1,613,752 alleles (0.000062%); highest among the groups gnomAD compares: Non-Finnish European, 0.000085%; no homozygotes.

Submissions (3):

Ambry Genetics
Classification: Likely benign for Hereditary cancer-predisposing syndrome. Last evaluated: 2025-08-07. Review status: criteria provided, single submitter. Criteria: Ambry Variant Classification Scheme 2023. Collection method: clinical testing. Allele origin: germline.

Labcorp Genetics (formerly Invitae), Labcorp
Classification: Uncertain significance for BAP1-related tumor predisposition syndrome. Last evaluated: 2025-03-05. Review status: criteria provided, single submitter. Criteria: Invitae Variant Classification Sherloc (09022015). Collection method: clinical testing. Allele origin: germline.
Comment: This sequence change replaces glycine, which is neutral and non-polar, with cysteine, which is neutral and slightly polar, at codon 380 of the BAP1 protein (p.Gly380Cys). This variant is not present in population databases (gnomAD no frequency). This variant has not been reported in the literature in individuals affected with BAP1-related conditions. ClinVar contains an entry for this variant (Variation ID: 1016804). Invitae Evidence Modeling of protein sequence and biophysical properties (such as structural, functional, and spatial information, amino acid conservation, physicochemical variation, residue mobility, and thermodynamic stability) has been performed for this missense variant. However, the output from this modeling did not meet the statistical confidence thresholds required to predict the impact of this variant on BAP1 protein function. In summary, the available evidence is currently insufficient to determine the role of this variant in disease. Therefore, it has been classified as a Variant of Uncertain Significance.

Color Diagnostics, LLC DBA Color Health
Classification: Uncertain significance for Hereditary cancer-predisposing syndrome. Last evaluated: 2024-03-06. Review status: criteria provided, single submitter. Criteria: ACMG Guidelines, 2015. Collection method: clinical testing. Allele origin: germline.
Comment: This missense variant replaces glycine with cysteine at codon 380 of the BAP1 protein. Computational prediction suggests that this variant may not impact protein structure and function (internally defined REVEL score threshold <= 0.5, PMID: 27666373). To our knowledge, functional studies have not been reported for this variant. This variant has not been reported in individuals affected with hereditary cancer in the literature. This variant has not been identified in the general population by the Genome Aggregation Database (gnomAD). The available evidence is insufficient to determine the role of this variant in disease conclusively. Therefore, this variant is classified as a Variant of Uncertain Significance.

Literature cited by the submitters: PubMed 38969833 (cited by Ambry Genetics).